The following is an entry in ClinVar:

NM_005154.5(USP8):c.494A>T (p.Gln165Leu)

Gene: USP8 (ubiquitin specific peptidase 8; plus strand). Cytogenetic location: 15q21.2.
Variant type: single nucleotide variant.
Coding change: c.494A>T on transcript NM_005154.5 (MANE Select); coding-DNA position 494, A replaced by T.
Protein change: p.Gln165Leu; replaces glutamine 165 with leucine.
Molecular consequence: missense variant.
Genome position (GRCh38, 1-based): chr15:50,459,158, A>T. VCF-style: chr15-50459158-A-T. GRCh37 (hg19) VCF-style: chr15-50751355-A-T.
Other names: c.494A>T, p.Gln165Leu (NM_001128610.3); c.263A>T, p.Gln88Leu (NM_001283049.2); short protein forms Q88L, Q165L.
Identifiers: ClinVar variation 2784231 (VCV002784231.3), dbSNP rs774290227, ClinGen allele CA7555469.

ClinVar aggregate classification (germline): Uncertain significance (1 of 4 stars; one submission).

Conditions:
Hereditary spastic paraplegia. Also called: Familial spastic paraparesis. Identifiers: Orphanet 685, MedGen C0037773, MONDO:0019064. Disease mechanism: loss of function.

Allele frequency attached by ClinVar (database versions not stated): gnomAD 0.00004; ExAC 0.00005; TOPMed 0.00005.
gnomAD v4.1: 56 of 1,600,352 alleles (0.0035%); highest among the groups gnomAD compares: East Asian, 0.12%; 1 homozygote.

Submission:

Labcorp Genetics (formerly Invitae), Labcorp
Classification: Uncertain significance for Hereditary spastic paraplegia. Last evaluated: 2024-12-07. Review status: criteria provided, single submitter. Criteria: Invitae Variant Classification Sherloc (09022015). Collection method: clinical testing. Allele origin: germline.
Comment: This sequence change replaces glutamine, which is neutral and polar, with leucine, which is neutral and non-polar, at codon 165 of the USP8 protein (p.Gln165Leu). This variant is present in population databases (rs774290227, gnomAD 0.09%), and has an allele count higher than expected for a pathogenic variant. This variant has not been reported in the literature in individuals affected with USP8-related conditions. ClinVar contains an entry for this variant (Variation ID: 2784231). An algorithm developed to predict the effect of missense changes on protein structure and function (PolyPhen-2) suggests that this variant is likely to be tolerated. In summary, the available evidence is currently insufficient to determine the role of this variant in disease. Therefore, it has been classified as a Variant of Uncertain Significance.